The following is an entry in ClinVar:

ClinVar aggregate classification (germline): Uncertain significance. Review status: criteria provided, multiple submitters, no conflicts (2 of 4 stars). 2 submissions from 2 submitters: Uncertain significance (2). Last evaluated 2021-04-02.

Conditions:
Hereditary cancer-predisposing syndrome. Also called: Neoplastic Syndromes, Hereditary; Tumor predisposition; Hereditary Cancer Syndrome; Hereditary neoplastic syndrome. Identifiers: Orphanet 140162, MedGen C0027672, MeSH D009386, MONDO:0015356.
Fanconi anemia complementation group O. Also called: RAD51C-Related Fanconi Anemia. Identifiers: Orphanet 84, MedGen C3150653, MONDO:0013248, OMIM 613390.

gnomAD v4.1: 1 of 1,614,164 alleles (0.000062%); no homozygotes.

Submissions (2):

Ambry Genetics
Classification: Uncertain significance for Hereditary cancer-predisposing syndrome. Last evaluated: 2021-04-02. Review status: criteria provided, single submitter. Criteria: Ambry Variant Classification Scheme 2023. Collection method: clinical testing. Allele origin: germline.
Comment: The p.Q178H variant (also known as c.534G>T), located in coding exon 3 of the RAD51C gene, results from a G to T substitution at nucleotide position 534. The glutamine at codon 178 is replaced by histidine, an amino acid with highly similar properties. This amino acid position is well conserved in available vertebrate species. In addition, this alteration is predicted to be tolerated by in silico analysis. Since supporting evidence is limited at this time, the clinical significance of this alteration remains unclear.

Labcorp Genetics (formerly Invitae), Labcorp
Classification: Uncertain significance for Fanconi anemia complementation group O. Last evaluated: 2018-04-17. Review status: criteria provided, single submitter. Criteria: Invitae Variant Classification Sherloc (09022015). Collection method: clinical testing. Allele origin: germline.
Comment: This sequence change replaces glutamine with histidine at codon 178 of the RAD51C protein (p.Gln178His). The glutamine residue is moderately conserved and there is a small physicochemical difference between glutamine and histidine. This variant is not present in population databases (ExAC no frequency). This variant has not been reported in the literature in individuals with RAD51C-related disease. Algorithms developed to predict the effect of missense changes on protein structure and function do not agree on the potential impact of this missense change (SIFT: "Deleterious"; PolyPhen-2: "Benign"; Align-GVGD: "Class C0"). In summary, the available evidence is currently insufficient to determine the role of this variant in disease. Therefore, it has been classified as a Variant of Uncertain Significance.

NM_058216.3(RAD51C):c.534G>T (p.Gln178His)

Gene: RAD51C (RAD51 paralog C; plus strand). Cytogenetic location: 17q22.
Variant type: single nucleotide variant.
Coding change: c.534G>T on transcript NM_058216.3 (MANE Select); coding-DNA position 534, G replaced by T.
Protein change: p.Gln178His; replaces glutamine 178 with histidine.
Molecular consequence: missense variant.
Genome position (GRCh38, 1-based): chr17:58,696,822, G>T. VCF-style: chr17-58696822-G-T. GRCh37 (hg19) VCF-style: chr17-56774183-G-T.
Other names: short protein forms Q178H.
Identifiers: ClinVar variation 568605 (VCV000568605.11), dbSNP rs1567788846, ClinGen allele CA400345214.